The following is an entry in ClinVar:

NM_001100.4(ACTA1):c.130-1G>A

Gene: ACTA1 (actin alpha 1, skeletal muscle; minus strand). Cytogenetic location: 1q42.13.
Variant type: single nucleotide variant.
Coding change: c.130-1G>A on transcript NM_001100.4 (MANE Select); the canonical splice acceptor site of the intron before coding-DNA position 130, G replaced by A.
Molecular consequence: splice acceptor variant.
Genome position (GRCh38, 1-based): chr1:229,432,881, C>T on the plus strand (G>A on the coding strand, the complement: ACTA1 is on the minus strand). VCF-style: chr1-229432881-C-T. GRCh37 (hg19) VCF-style: chr1-229568628-C-T.
Identifiers: ClinVar variation 2737692 (VCV002737692.3), dbSNP rs1659980721, ClinGen allele CA345151098.

ClinVar aggregate classification (germline): Likely pathogenic (1 of 4 stars; one submission).

Conditions:
Actin accumulation myopathy (CMYO2A). Also called: CONGENITAL MYOPATHY 2A, TYPICAL, AUTOSOMAL DOMINANT; Nemaline myopathy type 3; Myopathy, actin, congenital, with excess of thin myofilaments; Myopathy, actin, congenital, with cores; Nemaline myopathy 3, with intranuclear rods. Identifiers: Orphanet 98904, MedGen C3711389, MONDO:0008070, OMIM 161800.

Allele frequency attached by ClinVar (database versions not stated): TOPMed below 0.00001.

Submission:

Labcorp Genetics (formerly Invitae), Labcorp
Classification: Likely pathogenic for Actin accumulation myopathy. Last evaluated: 2023-05-27. Review status: criteria provided, single submitter. Criteria: Invitae Variant Classification Sherloc (09022015). Collection method: clinical testing. Allele origin: germline.
Comment: In summary, the currently available evidence indicates that the variant is pathogenic, but additional data are needed to prove that conclusively. Therefore, this variant has been classified as Likely Pathogenic. This sequence change affects an acceptor splice site in intron 2 of the ACTA1 gene. It is expected to disrupt RNA splicing. Variants that disrupt the donor or acceptor splice site typically lead to a loss of protein function (PMID: 16199547), and loss-of-function variants in ACTA1 are known to be pathogenic (PMID: 19562689). This variant is not present in population databases (gnomAD no frequency). This variant has not been reported in the literature in individuals affected with ACTA1-related conditions. Algorithms developed to predict the effect of sequence changes on RNA splicing suggest that this variant may disrupt the consensus splice site.

Literature cited by the submitters: PubMed 16199547; PubMed 19562689.